The following is an entry in ClinVar:

ClinVar aggregate classification (germline): Uncertain significance (1 of 4 stars; one submission).

Conditions:
Hereditary cancer-predisposing syndrome. Also called: Neoplastic Syndromes, Hereditary; Tumor predisposition; Hereditary Cancer Syndrome; Hereditary neoplastic syndrome. Identifiers: Orphanet 140162, MedGen C0027672, MeSH D009386, MONDO:0015356.

Submission:

Ambry Genetics
Classification: Uncertain significance for Hereditary cancer-predisposing syndrome. Last evaluated: 2025-08-12. Review status: criteria provided, single submitter. Criteria: Ambry Variant Classification Scheme 2023. Collection method: clinical testing. Allele origin: germline.
Comment: The p.M137I variant (also known as c.411G>A), located in coding exon 4 of the SDHAF2 gene, results from a G to A substitution at nucleotide position 411. The methionine at codon 137 is replaced by isoleucine, an amino acid with highly similar properties. This amino acid position is conserved. In addition, the in silico prediction for this alteration is inconclusive. Based on the available evidence, the clinical significance of this variant remains unclear.

NM_017841.4(SDHAF2):c.411G>A (p.Met137Ile)

Gene: SDHAF2 (succinate dehydrogenase complex assembly factor 2; plus strand). Cytogenetic location: 11q12.2.
Variant type: single nucleotide variant.
Coding change: c.411G>A on transcript NM_017841.4 (MANE Select); coding-DNA position 411, G replaced by A.
Protein change: p.Met137Ile; replaces methionine 137 with isoleucine.
Molecular consequence: missense variant.
Genome position (GRCh38, 1-based): chr11:61,445,981, G>A. VCF-style: chr11-61445981-G-A. GRCh37 (hg19) VCF-style: chr11-61213453-G-A.
Other names: short protein forms M137I.
Identifiers: ClinVar variation 4161223 (VCV004161223.1).